The following is an entry in ClinVar:

ClinVar aggregate classification (germline): Conflicting classifications of pathogenicity. Review status: criteria provided, conflicting classifications (1 of 4 stars). 3 submissions from 3 submitters: Uncertain significance (2); Benign (1). Last evaluated 2026-01-01.

Conditions:
Inborn genetic diseases. Identifiers: MedGen C0950123, MeSH D030342.

Allele frequency attached by ClinVar (database versions not stated): TOPMed 0.00008.
gnomAD v4.1: 21 of 1,613,822 alleles (0.0013%); highest among the groups gnomAD compares: African/African-American, 0.021%; no homozygotes.

Submissions (3):

Labcorp Genetics (formerly Invitae), Labcorp
Classification: Uncertain significance. Last evaluated: 2026-01-01. Review status: criteria provided, single submitter. Criteria: Invitae Variant Classification Sherloc (09022015). Collection method: clinical testing. Allele origin: germline.
Comment: This sequence change replaces glycine, which is neutral and non-polar, with arginine, which is basic and polar, at codon 2758 of the VCAN protein (p.Gly2758Arg). This variant is present in population databases (rs577603057, gnomAD 0.03%). This variant has not been reported in the literature in individuals affected with VCAN-related conditions. ClinVar contains an entry for this variant (Variation ID: 1005005). An algorithm developed to predict the effect of missense changes on protein structure and function (PolyPhen-2) suggests that this variant is likely to be disruptive. In summary, the available evidence is currently insufficient to determine the role of this variant in disease. Therefore, it has been classified as a Variant of Uncertain Significance.

Ambry Genetics
Classification: Uncertain significance for Inborn genetic diseases. Last evaluated: 2024-10-03. Review status: criteria provided, single submitter. Criteria: Ambry Variant Classification Scheme 2023. Collection method: clinical testing. Allele origin: germline.

Blueprint Genetics
Classification: Benign. Last evaluated: 2020-10-21. Review status: criteria provided, single submitter. Criteria: ACMG Guidelines, 2015. Collection method: clinical testing. Allele origin: germline.

NM_004385.5(VCAN):c.8272G>C (p.Gly2758Arg)

Genes: VCAN (versican; plus strand), VCAN-AS1 (VCAN antisense RNA 1; minus strand). Cytogenetic location: 5q14.3.
Variant type: single nucleotide variant.
Coding change: c.8272G>C on transcript NM_004385.5 (MANE Select); coding-DNA position 8272, G replaced by C.
Protein change: p.Gly2758Arg; replaces glycine 2758 with arginine.
Molecular consequence: missense variant. On other transcripts: intron variant (2).
Genome position (GRCh38, 1-based): chr5:83,541,275, G>C. VCF-style: chr5-83541275-G-C. GRCh37 (hg19) VCF-style: chr5-82837094-G-C.
Other names: c.5311G>C, p.Gly1771Arg (NM_001164097.2); c.4004-4262G>C (NM_001164098.2); c.1043-4262G>C (NM_001126336.3); c.8272G>C (NM_004385.4); short protein forms G1771R, G2758R.
Identifiers: ClinVar variation 1005005 (VCV001005005.10), dbSNP rs577603057, ClinGen allele CA3333778.